The following is an entry in ClinVar:

NM_001372044.2(SHANK3):c.2673G>C (p.Pro891=)

Gene: SHANK3 (SH3 and multiple ankyrin repeat domains 3; plus strand). Cytogenetic location: 22q13.33.
Variant type: single nucleotide variant.
Coding change: c.2673G>C on transcript NM_001372044.2 (MANE Select); coding-DNA position 2673, G replaced by C.
Protein change: p.Pro891=; no amino-acid change (proline 891 retained).
Molecular consequence: synonymous variant.
Genome position (GRCh38, 1-based): chr22:50,720,281, G>C. VCF-style: chr22-50720281-G-C. GRCh37 (hg19) VCF-style: chr22-51158709-G-C.
Other names: c.2448G>C, p.Pro816= (NM_033517.1).
Identifiers: ClinVar variation 587928 (VCV000587928.32), dbSNP rs1569114751, ClinGen allele CA515258795.
Genomic context (GRCh38, chr22:50,720,281, plus strand): 5'-CTTCCCGCGGAGCACCTCGATGCAAGACCCGGTGCGCGAGGGTCGCGGCATCCCGCCCCC[G>C]CCGCAGACCGCGCCGCCTCCCCCGCCCGCGCCCTACTACTTCGACTCGGGGCCGCCCCCG-3'
Protein context (NP_001358973.1, residues 881-901): PVREGRGIPP[Pro891=]PQTAPPPPPA

ClinVar aggregate classification (germline): Likely benign. Review status: criteria provided, multiple submitters, no conflicts (2 of 4 stars). 4 submissions from 4 submitters: Likely benign (4). Last evaluated 2022-11-01.

Conditions:
Inborn genetic diseases. Identifiers: MedGen C0950123, MeSH D030342.

Submissions (4):

CeGaT Center for Human Genetics Tuebingen
Classification: Likely benign. Last evaluated: 2022-11-01. Review status: criteria provided, single submitter. Criteria: CeGaT Center For Human Genetics Tuebingen Variant Classification Criteria Version 2. Collection method: clinical testing. Allele origin: germline. Affected: yes. Observed: 1 variant allele.
Comment: SHANK3: BP4, BP7

GeneDx
Classification: Likely benign. Last evaluated: 2019-11-06. Review status: criteria provided, single submitter. Criteria: GeneDx Variant Classification Process June 2021. Collection method: clinical testing. Allele origin: germline. Affected: yes.

Ambry Genetics
Classification: Likely benign for Inborn genetic diseases. Last evaluated: 2016-06-01. Review status: criteria provided, single submitter. Criteria: Ambry Variant Classification Scheme 2023. Collection method: clinical testing. Allele origin: germline.

Breakthrough Genomics
Classification: Likely benign. Review status: criteria provided, single submitter. Criteria: ACMG Guidelines, 2015. Collection method: not provided. Allele origin: germline. Inheritance: Autosomal dominant inheritance. Affected: yes.